The following is an entry in ClinVar:

ClinVar aggregate classification (germline): Conflicting classifications of pathogenicity. Review status: criteria provided, conflicting classifications (1 of 4 stars). 2 submissions from 2 submitters: Uncertain significance (1); Likely benign (1). Last evaluated 2022-07-14.

Conditions:
Inborn genetic diseases. Identifiers: MedGen C0950123, MeSH D030342.

Allele frequency attached by ClinVar (database versions not stated): ExAC 0.00011; gnomAD 0.00024; ESP Exome Variant Server 0.00038; TOPMed 0.00038.

Submissions (2):

Labcorp Genetics (formerly Invitae), Labcorp
Classification: Uncertain significance. Last evaluated: 2022-07-14. Review status: criteria provided, single submitter. Criteria: Invitae Variant Classification Sherloc (09022015). Collection method: clinical testing. Allele origin: germline.
Comment: This sequence change replaces valine, which is neutral and non-polar, with isoleucine, which is neutral and non-polar, at codon 745 of the LRPPRC protein (p.Val745Ile). This variant is present in population databases (rs201587698, gnomAD 0.07%). This variant has not been reported in the literature in individuals affected with LRPPRC-related conditions. Advanced modeling of protein sequence and biophysical properties (such as structural, functional, and spatial information, amino acid conservation, physicochemical variation, residue mobility, and thermodynamic stability) performed at Invitae indicates that this missense variant is expected to disrupt LRPPRC protein function. In summary, the available evidence is currently insufficient to determine the role of this variant in disease. Therefore, it has been classified as a Variant of Uncertain Significance.

Ambry Genetics
Classification: Likely benign for Inborn genetic diseases. Last evaluated: 2022-05-27. Review status: criteria provided, single submitter. Criteria: Ambry Variant Classification Scheme 2023. Collection method: clinical testing. Allele origin: germline.

NM_133259.4(LRPPRC):c.2233G>A (p.Val745Ile)

Gene: LRPPRC (leucine rich pentatricopeptide repeat containing; minus strand). Cytogenetic location: 2p21.
Variant type: single nucleotide variant.
Coding change: c.2233G>A on transcript NM_133259.4 (MANE Select); coding-DNA position 2233, G replaced by A.
Protein change: p.Val745Ile; replaces valine 745 with isoleucine.
Molecular consequence: missense variant.
Genome position (GRCh38, 1-based): chr2:43,945,395, C>T on the plus strand (G>A on the coding strand, the complement: LRPPRC is on the minus strand). VCF-style: chr2-43945395-C-T. GRCh37 (hg19) VCF-style: chr2-44172534-C-T.
Other names: short protein forms V745I.
Identifiers: ClinVar variation 2070139 (VCV002070139.2), dbSNP rs201587698, ClinGen allele CA1638535.
Genomic context (GRCh38, chr2:43,945,395, plus strand): 5'-GGAGCTTGCCATGCTTTGCCAATACTCTTACAAGGCCTACATACTTGCCGGTGTCAAGGA[C>T]AGCAGATGAATCTAAGCGGTCACTAAAAATTAAAGCCACATTTATATTGTTTTAAAAGTC-3'
Protein context (NP_573566.2, residues 735-755): EEFDRLDSSA[Val745Ile]LDTGKYVGLV